The following is an entry in ClinVar:

NM_001363.5(DKC1):c.965G>A (p.Arg322Gln)

Gene: DKC1 (dyskerin pseudouridine synthase 1; plus strand). Cytogenetic location: Xq28.
Variant type: single nucleotide variant.
Coding change: c.965G>A on transcript NM_001363.5 (MANE Select); coding-DNA position 965, G replaced by A.
Protein change: p.Arg322Gln; replaces arginine 322 with glutamine.
Molecular consequence: missense variant. On other transcripts: non-coding transcript variant (3).
Genome position (GRCh38, 1-based): chrX:154,770,808, G>A. VCF-style: chrX-154770808-G-A. GRCh37 (hg19) VCF-style: chrX-153999083-G-A.
Other names: c.965G>A, p.Arg322Gln (NM_001142463.3, NM_001288747.2); short protein forms R322Q.
Identifiers: ClinVar variation 38959 (VCV000038959.7), dbSNP rs121912291, ClinGen allele CA343266.

ClinVar aggregate classification (germline): Uncertain significance. Review status: criteria provided, single submitter (1 of 4 stars). 3 submissions from 3 submitters: Uncertain significance (1). 2 of the submissions do not count toward it. Last evaluated 2021-09-02.

Conditions:
Dyskeratosis congenita. Identifiers: Orphanet 1775, MedGen C0265965, MONDO:0015780.
Dyskeratosis congenita, X-linked (DKCX). Also called: Zinsser-Cole-Engman Syndrome. Identifiers: MedGen C1148551, MONDO:0010584, OMIM 305000.

Allele frequency attached by ClinVar (database versions not stated): gnomAD exomes below 0.00001.
gnomAD v4.1: 2 of 1,211,252 alleles (0.00017%); highest among the groups gnomAD compares: South Asian, 0.0018%; no homozygotes.

Submissions (3):

Labcorp Genetics (formerly Invitae), Labcorp
Classification: Uncertain significance for Dyskeratosis congenita. Last evaluated: 2021-09-02. Review status: criteria provided, single submitter. Criteria: Invitae Variant Classification Sherloc (09022015). Collection method: clinical testing. Allele origin: germline.
Comment: This sequence change replaces arginine with glutamine at codon 322 of the DKC1 protein (p.Arg322Gln). The arginine residue is highly conserved and there is a small physicochemical difference between arginine and glutamine. This variant is not present in population databases (ExAC no frequency). This missense change has been observed in individual(s) with clinical features of dyskeratosis congenita (PMID: 19879169). ClinVar contains an entry for this variant (Variation ID: 38959). Algorithms developed to predict the effect of missense changes on protein structure and function are either unavailable or do not agree on the potential impact of this missense change (SIFT: "Deleterious"; PolyPhen-2: "Benign"; Align-GVGD: "Class C35"). Experimental studies have shown that this missense change does not substantially affect DKC1 function (PMID: 20008900, 22058290, 24115260). In summary, the available evidence is currently insufficient to determine the role of this variant in disease. Therefore, it has been classified as a Variant of Uncertain Significance.

GeneReviews
No classification provided. Condition: Dyskeratosis congenita, X-linked. Review status: no classification provided. Collection method: literature only. Allele origin: unknown. Not counted in ClinVar's aggregate classification.

UniProtKB/Swiss-Prot
No classification provided. Condition: Dyskeratosis congenita X-linked. Review status: no classification provided. Collection method: not provided. Allele origin: germline. Not counted in ClinVar's aggregate classification.

Literature cited by the submitters: PubMed 19879169 (cited by Labcorp Genetics (formerly Invitae), Labcorp); PubMed 20008900 (cited by Labcorp Genetics (formerly Invitae), Labcorp); PubMed 22058290 (cited by Labcorp Genetics (formerly Invitae), Labcorp); PubMed 24115260 (cited by Labcorp Genetics (formerly Invitae), Labcorp); PubMed 20301779 (cited by GeneReviews); NCBI Bookshelf NBK22301 (cited by GeneReviews).